The following is an entry in ClinVar:

NM_001184.4(ATR):c.6754G>A (p.Glu2252Lys)

Gene: ATR (ATR checkpoint kinase; minus strand). Cytogenetic location: 3q23.
Variant type: single nucleotide variant.
Coding change: c.6754G>A on transcript NM_001184.4 (MANE Select); coding-DNA position 6754, G replaced by A.
Protein change: p.Glu2252Lys; replaces glutamic acid 2252 with lysine.
Molecular consequence: missense variant.
Genome position (GRCh38, 1-based): chr3:142,466,467, C>T on the plus strand (G>A on the coding strand, the complement: ATR is on the minus strand). VCF-style: chr3-142466467-C-T. GRCh37 (hg19) VCF-style: chr3-142185309-C-T.
Other names: c.6562G>A, p.Glu2188Lys (NM_001354579.2); short protein forms E2188K, E2252K.
Identifiers: ClinVar variation 1755248 (VCV001755248.3), dbSNP rs2108273691, ClinGen allele CA354801943.
Genomic context (GRCh38, chr3:142,466,467, plus strand): 5'-ATGGAAGTGTAGGTATCATGACTGATTGTAGAGGAATGAGGATTTCACTAAATGTTGCTT[C>T]TTCTACCAGCTTTTTAAGCATTTTAAAATGAGTGCTCATGCTTAATGTGGAACTACTTCC-3'
Protein context (NP_001175.2, residues 2242-2262): HFKMLKKLVE[Glu2252Lys]ATFSEILIPL

ClinVar aggregate classification (germline): Uncertain significance. Review status: criteria provided, multiple submitters, no conflicts (2 of 4 stars). 2 submissions from 2 submitters: Uncertain significance (2). Last evaluated 2026-08-18.

Conditions:
ATR-related disorder. Also called: ATR-related condition.
Inborn genetic diseases. Identifiers: MedGen C0950123, MeSH D030342.

Submissions (2):

PreventionGenetics, part of Exact Sciences
Classification: Uncertain significance for ATR-related condition. Last evaluated: 2026-08-18. Review status: criteria provided, single submitter. Criteria: ACMG Guidelines, 2015. Collection method: clinical testing. Allele origin: germline.
Comment: The ATR c.6754G>A variant is predicted to result in the amino acid substitution p.Glu2252Lys. To our knowledge, this variant has not been reported in the literature or in a large population database (gnomAD), indicating this variant is rare. At this time, the clinical significance of this variant is uncertain due to the absence of conclusive functional and genetic evidence.

Ambry Genetics
Classification: Uncertain significance for Inborn genetic diseases. Last evaluated: 2021-08-09. Review status: criteria provided, single submitter. Criteria: Ambry Variant Classification Scheme 2023. Collection method: clinical testing. Allele origin: germline.
Comment: The p.E2252K variant (also known as c.6754G>A), located in coding exon 40 of the ATR gene, results from a G to A substitution at nucleotide position 6754. The glutamic acid at codon 2252 is replaced by lysine, an amino acid with similar properties. This amino acid position is conserved. In addition, the in silico prediction for this alteration is inconclusive. Since supporting evidence is limited at this time, the clinical significance of this alteration remains unclear.